The following is an entry in ClinVar:

ClinVar aggregate classification (germline): Uncertain significance (1 of 4 stars; one submission).

Allele frequency attached by ClinVar (database versions not stated): gnomAD exomes below 0.00001.

Submission:

Labcorp Genetics (formerly Invitae), Labcorp
Classification: Uncertain significance. Last evaluated: 2023-10-13. Review status: criteria provided, single submitter. Criteria: Invitae Variant Classification Sherloc (09022015). Collection method: clinical testing. Allele origin: germline.
Comment: This sequence change replaces arginine, which is basic and polar, with cysteine, which is neutral and slightly polar, at codon 307 of the CDCA7 protein (p.Arg307Cys). This variant is present in population databases (rs761415534, gnomAD 0.007%). This variant has not been reported in the literature in individuals affected with CDCA7-related conditions. ClinVar contains an entry for this variant (Variation ID: 1490107). Advanced modeling of protein sequence and biophysical properties (such as structural, functional, and spatial information, amino acid conservation, physicochemical variation, residue mobility, and thermodynamic stability) performed at Invitae indicates that this missense variant is not expected to disrupt CDCA7 protein function. In summary, the available evidence is currently insufficient to determine the role of this variant in disease. Therefore, it has been classified as a Variant of Uncertain Significance.

NM_031942.5(CDCA7):c.919C>T (p.Arg307Cys)

Gene: CDCA7 (cell division cycle associated 7; plus strand). Cytogenetic location: 2q31.1.
Variant type: single nucleotide variant.
Coding change: c.919C>T on transcript NM_031942.5 (MANE Select); coding-DNA position 919, C replaced by T.
Protein change: p.Arg307Cys; replaces arginine 307 with cysteine.
Molecular consequence: missense variant.
Genome position (GRCh38, 1-based): chr2:173,365,476, C>T. VCF-style: chr2-173365476-C-T. GRCh37 (hg19) VCF-style: chr2-174230204-C-T.
Other names: c.682C>T, p.Arg228Cys (NM_145810.3); short protein forms R228C, R307C.
Identifiers: ClinVar variation 1490107 (VCV001490107.8), dbSNP rs761415534, ClinGen allele CA60779381.
Genomic context (GRCh38, chr2:173,365,476, plus strand): 5'-TTTGAAGTTCTGTGTTTTGTATTCCTTGTAATGCAGGAAGATGACCTGCCCAGAAGCCGT[C>T]GCTCCAGATCATCCGTGACCCTTCCGCATATAATTCGCCCAGTGGAAGAAATTACAGAGG-3'
Protein context (NP_114148.3, residues 297-317): MNEDDLPRSR[Arg307Cys]SRSSVTLPHI